The following is an entry in ClinVar:

ClinVar aggregate classification (germline): Uncertain significance (1 of 4 stars; one submission).

Allele frequency attached by ClinVar (database versions not stated): gnomAD exomes below 0.00001.
gnomAD v4.1: 6 of 1,614,090 alleles (0.00037%); highest among the groups gnomAD compares: South Asian, 0.0022%; no homozygotes.

Submission:

Labcorp Genetics (formerly Invitae), Labcorp
Classification: Uncertain significance. Last evaluated: 2022-03-10. Review status: criteria provided, single submitter. Criteria: Invitae Variant Classification Sherloc (09022015). Collection method: clinical testing. Allele origin: germline.
Comment: In summary, the available evidence is currently insufficient to determine the role of this variant in disease. Therefore, it has been classified as a Variant of Uncertain Significance. Algorithms developed to predict the effect of missense changes on protein structure and function (SIFT, PolyPhen-2, Align-GVGD) all suggest that this variant is likely to be disruptive. This variant has not been reported in the literature in individuals affected with SORL1-related conditions. This variant is present in population databases (no rsID available, gnomAD 0.0009%). This sequence change replaces tyrosine, which is neutral and polar, with cysteine, which is neutral and slightly polar, at codon 1064 of the SORL1 protein (p.Tyr1064Cys).

NM_003105.6(SORL1):c.3191A>G (p.Tyr1064Cys)

Gene: SORL1 (sortilin related receptor 1; plus strand). Cytogenetic location: 11q24.1.
Variant type: single nucleotide variant.
Coding change: c.3191A>G on transcript NM_003105.6 (MANE Select); coding-DNA position 3191, A replaced by G.
Protein change: p.Tyr1064Cys; replaces tyrosine 1064 with cysteine.
Molecular consequence: missense variant.
Genome position (GRCh38, 1-based): chr11:121,567,081, A>G. VCF-style: chr11-121567081-A-G. GRCh37 (hg19) VCF-style: chr11-121437790-A-G.
Other names: short protein forms Y1064C.
Identifiers: ClinVar variation 1373270 (VCV001373270.6), dbSNP rs1485099565, ClinGen allele CA383037898.